The following is an entry in ClinVar:

NM_001112741.2(KCNC1):c.1693+4T>C

Gene: KCNC1 (potassium voltage-gated channel subfamily C member 1; plus strand). Cytogenetic location: 11p15.1.
Variant type: single nucleotide variant.
Coding change: c.1693+4T>C on transcript NM_001112741.2 (MANE Select); 4 bases into the intron after coding-DNA position 1693, T replaced by C.
Molecular consequence: intron variant.
Genome position (GRCh38, 1-based): chr11:17,779,648, T>C. VCF-style: chr11-17779648-T-C. GRCh37 (hg19) VCF-style: chr11-17801195-T-C.
Identifiers: ClinVar variation 3667510 (VCV003667510.2).

ClinVar aggregate classification (germline): Uncertain significance (1 of 4 stars; one submission).

Conditions:
Progressive myoclonic epilepsy type 7. Identifiers: Orphanet 435438, MedGen C4015420, MONDO:0014521, OMIM 616187.

Submission:

Labcorp Genetics (formerly Invitae), Labcorp
Classification: Uncertain significance for Progressive myoclonic epilepsy type 7. Last evaluated: 2024-08-14. Review status: criteria provided, single submitter. Criteria: Invitae Variant Classification Sherloc (09022015). Collection method: clinical testing. Allele origin: germline.
Comment: This sequence change falls in intron 3 of the KCNC1 gene. It does not directly change the encoded amino acid sequence of the KCNC1 protein. It affects a nucleotide within the consensus splice site. This variant is not present in population databases (gnomAD no frequency). This variant has not been reported in the literature in individuals affected with KCNC1-related conditions. Variants that disrupt the consensus splice site are a relatively common cause of aberrant splicing (PMID: 17576681, 9536098). Algorithms developed to predict the effect of sequence changes on RNA splicing suggest that this variant is not likely to affect RNA splicing. In summary, the available evidence is currently insufficient to determine the role of this variant in disease. Therefore, it has been classified as a Variant of Uncertain Significance.

Literature cited by the submitters: PubMed 17576681; PubMed 9536098.